The following is an entry in ClinVar:

NM_001286577.2(C2CD3):c.1259C>T (p.Ser420Phe)

Gene: C2CD3 (C2 domain containing 3 centriole elongation regulator; minus strand). Cytogenetic location: 11q13.4.
Variant type: single nucleotide variant.
Coding change: c.1259C>T on transcript NM_001286577.2 (MANE Select); coding-DNA position 1259, C replaced by T.
Protein change: p.Ser420Phe; replaces serine 420 with phenylalanine.
Molecular consequence: missense variant.
Genome position (GRCh38, 1-based): chr11:74,123,094, G>A on the plus strand (C>T on the coding strand, the complement: C2CD3 is on the minus strand). VCF-style: chr11-74123094-G-A. GRCh37 (hg19) VCF-style: chr11-73834139-G-A.
Other names: c.1259C>T, p.Ser420Phe (NM_015531.6); c.1259C>T (NM_015531.4); short protein forms S420F.
Identifiers: ClinVar variation 1449379 (VCV001449379.7), dbSNP rs147709320, ClinGen allele CA6182994.
Genomic context (GRCh38, chr11:74,123,094, plus strand): 5'-GGGTCATTCAGCTCACTGATGCAATACACATCACTCCCAGGAGATGGGGAATCTGGAGGA[G>A]AGCCTAGCCCATCCCAGAAATTGCCTTGGGATAATTCAGCACTGCAGAGATAAGAAAACA-3'
Protein context (NP_001273506.1, residues 410-430): SQGNFWDGLG[Ser420Phe]PPDSPSPGSD

ClinVar aggregate classification (germline): Uncertain significance. Review status: criteria provided, multiple submitters, no conflicts (2 of 4 stars). 2 submissions from 2 submitters: Uncertain significance (2). Last evaluated 2024-06-05.

Conditions:
Inborn genetic diseases. Identifiers: MedGen C0950123, MeSH D030342.

Allele frequency attached by ClinVar (database versions not stated): ExAC 0.00016; gnomAD 0.00023 and 0.00024; ESP Exome Variant Server 0.00031.
gnomAD v4.1: 762 of 1,612,776 alleles (0.047%); highest among the groups gnomAD compares: Non-Finnish European, 0.062%; 2 homozygotes.

Submissions (2):

Ambry Genetics
Classification: Uncertain significance for Inborn genetic diseases. Last evaluated: 2024-06-05. Review status: criteria provided, single submitter. Criteria: Ambry Variant Classification Scheme 2023. Collection method: clinical testing. Allele origin: germline.

Labcorp Genetics (formerly Invitae), Labcorp
Classification: Uncertain significance. Last evaluated: 2022-08-31. Review status: criteria provided, single submitter. Criteria: Invitae Variant Classification Sherloc (09022015). Collection method: clinical testing. Allele origin: germline.
Comment: This sequence change replaces serine, which is neutral and polar, with phenylalanine, which is neutral and non-polar, at codon 420 of the C2CD3 protein (p.Ser420Phe). This variant is present in population databases (rs147709320, gnomAD 0.04%). This variant has not been reported in the literature in individuals affected with C2CD3-related conditions. ClinVar contains an entry for this variant (Variation ID: 1449379). Algorithms developed to predict the effect of missense changes on protein structure and function are either unavailable or do not agree on the potential impact of this missense change (SIFT: "Deleterious"; PolyPhen-2: "Probably Damaging"; Align-GVGD: "Class C0"). In summary, the available evidence is currently insufficient to determine the role of this variant in disease. Therefore, it has been classified as a Variant of Uncertain Significance.